The following is an entry in ClinVar:

NM_017570.5(OPLAH):c.3187C>T (p.Arg1063Ter)

Gene: OPLAH (5-oxoprolinase, ATP-hydrolysing; minus strand). Cytogenetic location: 8q24.3.
Variant type: single nucleotide variant.
Coding change: c.3187C>T on transcript NM_017570.5 (MANE Select); coding-DNA position 3187, C replaced by T.
Protein change: p.Arg1063Ter; replaces arginine 1063 with a stop codon.
Molecular consequence: nonsense.
Genome position (GRCh38, 1-based): chr8:144,052,565, G>A on the plus strand (C>T on the coding strand, the complement: OPLAH is on the minus strand). VCF-style: chr8-144052565-G-A. GRCh37 (hg19) VCF-style: chr8-145107468-G-A.
Other names: short protein forms R1063*.
Identifiers: ClinVar variation 3670809 (VCV003670809.2).
Genomic context (GRCh38, chr8:144,052,565, plus strand): 5'-ACGTGAGCACGTTGCCGCCCACCACCGCCGCCTCGGGCGACGGGTCCAGGATGGAGCCTC[G>A]GGGAATGACCACGCGCACTGGCGCCAGGCAGCCCTGTGCGGGGCGGGCGGCTCTCAGGAG-3'

ClinVar aggregate classification (germline): Pathogenic (1 of 4 stars; one submission).

Conditions:
5-Oxoprolinase deficiency (OPLAHD). Also called: 5-OXOPROLINURIA DUE TO 5-OXOPROLINASE DEFICIENCY. Identifiers: Orphanet 33572, MedGen C0268525, MONDO:0009825, OMIM 260005, HP:0040142.

gnomAD v4.1: 10 of 1,596,848 alleles (0.00063%); highest among the groups gnomAD compares: African/African-American, 0.0094%; no homozygotes.

Submission:

Labcorp Genetics (formerly Invitae), Labcorp
Classification: Pathogenic for 5-Oxoprolinase deficiency. Last evaluated: 2024-03-12. Review status: criteria provided, single submitter. Criteria: Invitae Variant Classification Sherloc (09022015). Collection method: clinical testing. Allele origin: germline.
Comment: This sequence change creates a premature translational stop signal (p.Arg1063*) in the OPLAH gene. It is expected to result in an absent or disrupted protein product. Loss-of-function variants in OPLAH are known to be pathogenic (PMID: 21651516, 27477828). The frequency data for this variant in the population databases is considered unreliable, as metrics indicate poor data quality at this position in the gnomAD database. This variant has not been reported in the literature in individuals affected with OPLAH-related conditions. For these reasons, this variant has been classified as Pathogenic.

Literature cited by the submitters: PubMed 21651516; PubMed 27477828.